The following is an entry in ClinVar:

NM_014314.4(RIGI):c.1704A>C (p.Lys568Asn)

Gene: RIGI (RNA sensor RIG-I; minus strand). Cytogenetic location: 9p21.1.
Variant type: single nucleotide variant.
Coding change: c.1704A>C on transcript NM_014314.4 (MANE Select); coding-DNA position 1704, A replaced by C.
Protein change: p.Lys568Asn; replaces lysine 568 with asparagine.
Molecular consequence: missense variant.
Genome position (GRCh38, 1-based): chr9:32,480,289, T>G on the plus strand (A>C on the coding strand, the complement: RIGI is on the minus strand). VCF-style: chr9-32480289-T-G. GRCh37 (hg19) VCF-style: chr9-32480287-T-G.
Other names: c.1698A>C, p.Lys566Asn (NM_001385907.1); c.1704A>C, p.Lys568Asn (NM_001385909.1); c.1263A>C, p.Lys421Asn (NM_001385910.1); c.1095A>C, p.Lys365Asn (NM_001385912.1); c.1689A>C, p.Lys563Asn (NM_001385913.1); c.1260A>C, p.Lys420Asn (NM_001385914.1); short protein forms K365N, K420N, K421N, K563N, K566N, K568N.
Identifiers: ClinVar variation 3625067 (VCV003625067.2).
Genomic context (GRCh38, chr9:32,480,289, plus strand): 5'-CTGAGTAAGATCTTGCTCAATCTCATCGAATCCTGCTGCTCGGACATTGCTGAAGAAGTC[T>G]TTCAAGTAATCCAGAGCATCTTTCATTCGTGCATGCTCACTGATAATGAGGGCATCATTA-3'
Protein context (NP_055129.2, residues 558-578): ARMKDALDYL[Lys568Asn]DFFSNVRAAG

ClinVar aggregate classification (germline): Uncertain significance (1 of 4 stars; one submission).

gnomAD v4.1: 63 of 1,611,290 alleles (0.0039%); highest among the groups gnomAD compares: Non-Finnish European, 0.0044%; no homozygotes.

Submission:

Labcorp Genetics (formerly Invitae), Labcorp
Classification: Uncertain significance. Last evaluated: 2024-03-21. Review status: criteria provided, single submitter. Criteria: Invitae Variant Classification Sherloc (09022015). Collection method: clinical testing. Allele origin: germline.
Comment: This sequence change replaces lysine, which is basic and polar, with asparagine, which is neutral and polar, at codon 568 of the DDX58 protein (p.Lys568Asn). This variant is present in population databases (rs779421098, gnomAD 0.004%). This variant has not been reported in the literature in individuals affected with DDX58-related conditions. Advanced modeling of protein sequence and biophysical properties (such as structural, functional, and spatial information, amino acid conservation, physicochemical variation, residue mobility, and thermodynamic stability) performed at Invitae indicates that this missense variant is not expected to disrupt DDX58 protein function with a negative predictive value of 80%. In summary, the available evidence is currently insufficient to determine the role of this variant in disease. Therefore, it has been classified as a Variant of Uncertain Significance.